The following is an entry in ClinVar:

NM_153240.5(NPHP3):c.3330-3C>T

Genes: NPHP3 (nephrocystin 3; minus strand), NPHP3-ACAD11 (NPHP3-ACAD11 readthrough (NMD candidate); minus strand). Cytogenetic location: 3q22.1.
Variant type: single nucleotide variant.
Coding change: c.3330-3C>T on transcript NM_153240.5 (MANE Select); 3 bases into the intron before coding-DNA position 3330, C replaced by T.
Molecular consequence: intron variant.
Genome position (GRCh38, 1-based): chr3:132,684,797, G>A on the plus strand (C>T on the coding strand, the complement: NPHP3 is on the minus strand). VCF-style: chr3-132684797-G-A. GRCh37 (hg19) VCF-style: chr3-132403641-G-A.
Identifiers: ClinVar variation 2499220 (VCV002499220.1), dbSNP rs2530380839, ClinGen allele CA2580068786.

ClinVar aggregate classification (germline): Uncertain significance (1 of 4 stars; one submission).

Submission:

GeneDx
Classification: Uncertain significance. Last evaluated: 2022-10-14. Review status: criteria provided, single submitter. Criteria: GeneDx Variant Classification Process June 2021. Collection method: clinical testing. Allele origin: germline. Affected: yes.
Comment: Not observed at significant frequency in large population cohorts (gnomAD); In-silico analysis is inconclusive as to whether the variant alters gene splicing. In the absence of RNA/functional studies, the actual effect of this sequence change is unknown.; Has not been previously published as pathogenic or benign to our knowledge